The following is an entry in ClinVar:

NM_001012339.3(DNAJC21):c.118G>A (p.Ala40Thr)

Gene: DNAJC21 (DnaJ heat shock protein family (Hsp40) member C21; plus strand). Cytogenetic location: 5p13.2.
Variant type: single nucleotide variant.
Coding change: c.118G>A on transcript NM_001012339.3 (MANE Select); coding-DNA position 118, G replaced by A.
Protein change: p.Ala40Thr; replaces alanine 40 with threonine.
Molecular consequence: missense variant.
Genome position (GRCh38, 1-based): chr5:34,933,835, G>A. VCF-style: chr5-34933835-G-A. GRCh37 (hg19) VCF-style: chr5-34933940-G-A.
Other names: p.Ala40Thr; c.118G>A (NM_001012339.2); c.118G>A, p.Ala40Thr (NM_001348420.2, NM_194283.4); short protein forms A40T.
Identifiers: ClinVar variation 1437621 (VCV001437621.9), dbSNP rs775999023, ClinGen allele CA3228346.
Genomic context (GRCh38, chr5:34,933,835, plus strand): 5'-GTACGTTTTTGATTGACTTAAATTTCTGTGACTTTAACAGATAAAAATCTGGATAATGCC[G>A]CAGAAGCAGCTGAACAATTTAAATTAATCCAAGCAGCATATGATGTGTTGAGTGACCCTC-3'
Protein context (NP_001012339.2, residues 30-50): WHPDKNLDNA[Ala40Thr]EAAEQFKLIQ

ClinVar aggregate classification (germline): Uncertain significance. Review status: criteria provided, multiple submitters, no conflicts (2 of 4 stars). 4 submissions from 4 submitters: Uncertain significance (3). 1 of the submissions does not count toward it. Last evaluated 2026-01-23.

Allele frequency attached by ClinVar (database versions not stated): gnomAD exomes 0.00003 and 0.00006; ExAC 0.00008.
gnomAD v4.1: 50 of 1,613,380 alleles (0.0031%); highest among the groups gnomAD compares: Admixed American, 0.027%; no homozygotes.

Submissions (4):

Women's Health and Genetics/Laboratory Corporation of America, LabCorp
Classification: Uncertain significance. Last evaluated: 2026-01-23. Review status: criteria provided, single submitter. Criteria: LabCorp Variant Classification Summary - May 2015. Collection method: clinical testing. Allele origin: germline.

Mayo Clinic Laboratories, Mayo Clinic
Classification: Uncertain significance. Last evaluated: 2025-12-12. Review status: criteria provided, single submitter. Criteria: ACMG Guidelines, 2015. Collection method: clinical testing. Allele origin: germline. Observed: 1 variant allele.
Comment: BP4_moderate

Labcorp Genetics (formerly Invitae), Labcorp
Classification: Uncertain significance. Last evaluated: 2023-11-19. Review status: criteria provided, single submitter. Criteria: Invitae Variant Classification Sherloc (09022015). Collection method: clinical testing. Allele origin: germline.
Comment: This sequence change replaces alanine, which is neutral and non-polar, with threonine, which is neutral and polar, at codon 40 of the DNAJC21 protein (p.Ala40Thr). This variant is present in population databases (rs775999023, gnomAD 0.03%). This variant has not been reported in the literature in individuals affected with DNAJC21-related conditions. ClinVar contains an entry for this variant (Variation ID: 1437621). An algorithm developed to predict the effect of missense changes on protein structure and function (PolyPhen-2) suggests that this variant¬†is likely to be tolerated. In summary, the available evidence is currently insufficient to determine the role of this variant in disease. Therefore, it has been classified as a Variant of Uncertain Significance.

Genetic Services Laboratory, University of Chicago
Classification: Uncertain significance. Last evaluated: 2022-09-29. Review status: no assertion criteria provided. Collection method: clinical testing. Allele origin: germline. Affected: no. Not counted in ClinVar's aggregate classification.
Comment: DNA sequence analysis of the DNAJC21 gene demonstrated a sequence change, c.118G>A, in exon 2 that results in an amino acid change, p.Ala40Thr. This sequence change does not appear to have been previously described in individuals with DNAJC21-related disorders. This sequence change has been described in the gnomAD database with a frequency of 0.005% (dbSNP rs775999023). The p.Ala40Thr change affects a poorly conserved amino acid residue located in a domain of the DNAJC21 protein that is known to be functional. The p.Ala40Thr substitution appears to be benign using several in-silico pathogenicity prediction tools (SIFT, PolyPhen2, Align GVGD, REVEL). Due to insufficient evidences and the lack of functional studies, the clinical significance of the p.Ala40Thr change remains unknown at this time.